The following is an entry in ClinVar:

ClinVar aggregate classification (germline): Pathogenic (1 of 4 stars; one submission).

Submission:

GeneDx
Classification: Pathogenic. Last evaluated: 2022-01-07. Review status: criteria provided, single submitter. Criteria: GeneDx Variant Classification Process June 2021. Collection method: clinical testing. Allele origin: germline. Affected: yes.
Comment: Frameshift variant predicted to result in protein truncation or nonsense mediated decay in a gene for which loss-of-function is a known mechanism of disease; Not observed at significant frequency in large population cohorts (gnomAD); This variant is associated with the following publications: (PMID: 16832076)

NM_014946.4(SPAST):c.486dup (p.Ile163fs)

Gene: SPAST (spastin; plus strand). Cytogenetic location: 2p22.3.
Variant type: Duplication.
Coding change: c.486dup on transcript NM_014946.4 (MANE Select); coding-DNA position 486, one base duplicated (T; older notation c.486dupT).
Protein change: p.Ile163fs; shifts the reading frame from isoleucine 163.
Molecular consequence: frameshift variant.
Genome position (GRCh38, 1-based): chr2:32,087,562, T duplicated; the last of 2 consecutive T bases (chr2:32,087,561-32,087,562); duplicating either gives the same sequence. VCF-style (leftmost placement, unchanged base first): chr2-32087560-G-GT. GRCh37 (hg19) VCF-style: chr2-32312629-G-GT.
Other names: c.483dup, p.Ile162fs (NM_001363823.2, NM_001363875.2); c.486dup, p.Ile163fs (NM_001377959.1, NM_199436.2); short protein forms I162fs, I163fs.
Identifiers: ClinVar variation 1695506 (VCV001695506.2), dbSNP rs2148708928, ClinGen allele CA2580066370.